The following is an entry in ClinVar:

ClinVar aggregate classification (germline): Benign (1 of 4 stars; one submission).

Conditions:
Leigh syndrome (NULS). Also called: Leigh's necrotizing encephalopathy; Leigh's disease; Leigh Syndrome (mtDNA deletion); Leigh Disease; Subacute necrotizing encephalopathy; Necrotizing encephalopathy infantile subacute of Leigh. Identifiers: Orphanet 506, MedGen C2931891, MONDO:0009723, OMIM 256000.

Submission:

Wong Mito Lab, Molecular and Human Genetics, Baylor College of Medicine
Classification: Benign for Leigh syndrome. Last evaluated: 2019-10-17. Review status: criteria provided, single submitter. Criteria: Modified ACMG Guidelines (Unpublished). Collection method: clinical testing. Allele origin: germline.
Comment: The NC_012920.1:m.12634A>G (YP_003024036.1:p.Ile100Val) variant in MTND5 gene is interpretated to be a Benign variant based on the modified ACMG guidelines (unpublished). This variant meets the following evidence codes: BS1, BS2

NC_012920.1(MT-ND5):m.12634A>G

Gene: MT-ND5 (mitochondrially encoded NADH dehydrogenase 5; plus strand).
Variant type: single nucleotide variant.
Genome position: chrM-12634-A-G.
Identifiers: ClinVar variation 693472 (VCV000693472.1), dbSNP rs1556424136, ClinGen allele CA414814112.